The following is an entry in ClinVar:

ClinVar aggregate classification (germline): Benign/Likely benign. Review status: criteria provided, multiple submitters, no conflicts (2 of 4 stars). 3 submissions from 3 submitters: Benign (1); Likely benign (2). Last evaluated 2024-07-24.

Conditions:
Familial cancer of breast. Also called: hereditary breast carcinoma; BREAST CANCER, FAMILIAL; Hereditary breast cancer. Identifiers: Orphanet 227535, MedGen C0346153, MONDO:0016419, OMIM 114480. Disease mechanism: loss of function.
Hereditary cancer-predisposing syndrome. Also called: Hereditary Cancer Syndrome; Tumor predisposition; Neoplastic Syndromes, Hereditary; Hereditary neoplastic syndrome. Identifiers: Orphanet 140162, MedGen C0027672, MeSH D009386, MONDO:0015356.

Submissions (3):

Myriad Genetics, Inc.
Classification: Benign for Familial cancer of breast. Last evaluated: 2024-07-24. Review status: criteria provided, single submitter. Criteria: Myriad Autosomal Dominant, Autosomal Recessive and X-Linked Classification Criteria (2023). Collection method: clinical testing. Allele origin: unknown.
Comment: This variant is considered benign. This variant is a silent/synonymous amino acid change and it is not expected to impact splicing.

Ambry Genetics
Classification: Likely benign for Hereditary cancer-predisposing syndrome. Last evaluated: 2024-05-28. Review status: criteria provided, single submitter. Criteria: Ambry Variant Classification Scheme 2023. Collection method: clinical testing. Allele origin: germline.

Labcorp Genetics (formerly Invitae), Labcorp
Classification: Likely benign for Familial cancer of breast. Last evaluated: 2022-04-08. Review status: criteria provided, single submitter. Criteria: Invitae Variant Classification Sherloc (09022015). Collection method: clinical testing. Allele origin: germline.

NM_000465.4(BARD1):c.1155T>C (p.Asp385=)

Gene: BARD1 (BRCA1 associated RING domain 1; minus strand). Cytogenetic location: 2q35.
Variant type: single nucleotide variant.
Coding change: c.1155T>C on transcript NM_000465.4 (MANE Select); coding-DNA position 1155, T replaced by C.
Protein change: p.Asp385=; no amino-acid change (aspartic acid 385 retained).
Molecular consequence: synonymous variant. On other transcripts: non-coding transcript variant (2), intron variant (3).
Genome position (GRCh38, 1-based): chr2:214,780,719, A>G on the plus strand (T>C on the coding strand, the complement: BARD1 is on the minus strand). VCF-style: chr2-214780719-A-G. GRCh37 (hg19) VCF-style: chr2-215645443-A-G.
Other names: c.1155T>C (NM_000465.2); c.1098T>C, p.Asp366= (NM_001282543.2); c.159-28164T>C (NM_001282548.2); c.215+16342T>C (NM_001282545.2); c.364+11578T>C (NM_001282549.2).
Identifiers: ClinVar variation 1539123 (VCV001539123.11), dbSNP rs2106108419, ClinGen allele CA431391804.
Genomic context (GRCh38, chr2:214,780,719, plus strand): 5'-CCTGTAACTTGAACTACTTAATGTAGAAGGTGGTGTACCTGGTGAAAGACTAATGAATTC[A>G]TCGGACATGTTACTGTTTTTCCTCCCTGATGTACCACCAACTTTACGTTTGCATGAAGGT-3'
Protein context (NP_000456.2, residues 375-395): TSGRKNSNMS[Asp385=]EFISLSPGTP